The following is an entry in ClinVar:

ClinVar aggregate classification (germline): Uncertain significance (1 of 4 stars; one submission).

Submission:

Labcorp Genetics (formerly Invitae), Labcorp
Classification: Uncertain significance. Last evaluated: 2023-05-15. Review status: criteria provided, single submitter. Criteria: Invitae Variant Classification Sherloc (09022015). Collection method: clinical testing. Allele origin: germline.
Comment: An algorithm developed to predict the effect of missense changes on protein structure and function (PolyPhen-2) suggests that this variant is likely to be disruptive. In summary, the available evidence is currently insufficient to determine the role of this variant in disease. Therefore, it has been classified as a Variant of Uncertain Significance. This variant has not been reported in the literature in individuals affected with IFT57-related conditions. This variant is not present in population databases (gnomAD no frequency). This sequence change replaces tyrosine, which is neutral and polar, with aspartic acid, which is acidic and polar, at codon 429 of the IFT57 protein (p.Tyr429Asp).

NM_018010.4(IFT57):c.1285T>G (p.Tyr429Asp)

Gene: IFT57 (intraflagellar transport 57; minus strand). Cytogenetic location: 3q13.12.
Variant type: single nucleotide variant.
Coding change: c.1285T>G on transcript NM_018010.4 (MANE Select); coding-DNA position 1285, T replaced by G.
Protein change: p.Tyr429Asp; replaces tyrosine 429 with aspartic acid.
Molecular consequence: missense variant.
Genome position (GRCh38, 1-based): chr3:108,162,482, A>C on the plus strand (T>G on the coding strand, the complement: IFT57 is on the minus strand). VCF-style: chr3-108162482-A-C. GRCh37 (hg19) VCF-style: chr3-107881329-A-C.
Other names: short protein forms Y429D.
Identifiers: ClinVar variation 2864578 (VCV002864578.3), dbSNP rs2472451532, ClinGen allele CA353912726.